The following is an entry in ClinVar:

NM_002769.5(PRSS1):c.700A>G (p.Asn234Asp)

Genes: TRB (T cell receptor beta locus; plus strand), PRSS1 (serine protease 1; plus strand). Cytogenetic location: 7q34.
Variant type: single nucleotide variant.
Coding change: c.700A>G on transcript NM_002769.5 (MANE Select); coding-DNA position 700, A replaced by G.
Protein change: p.Asn234Asp; replaces asparagine 234 with aspartic acid.
Molecular consequence: missense variant. On other transcripts: non-coding transcript variant (5).
Genome position (GRCh38, 1-based): chr7:142,752,976, A>G. VCF-style: chr7-142752976-A-G. GRCh37 (hg19) VCF-style: chr7-142460827-A-G.
Other names: short protein forms N234D.
Identifiers: ClinVar variation 3426333 (VCV003426333.1).

ClinVar aggregate classification (germline): Uncertain significance (1 of 4 stars; one submission).

Conditions:
Hereditary pancreatitis (PCTT). Also called: Hereditary chronic pancreatitis; PRSS1-Related Hereditary Pancreatitis. Identifiers: Orphanet 676, MedGen C0238339, MONDO:0008185, OMIM 167800.

Submission:

Ambry Genetics
Classification: Uncertain significance for Hereditary pancreatitis. Last evaluated: 2024-09-30. Review status: criteria provided, single submitter. Criteria: Ambry Variant Classification Scheme 2023. Collection method: clinical testing. Allele origin: germline.
Comment: The p.N234D variant (also known as c.700A>G), located in coding exon 5 of the PRSS1 gene, results from an A to G substitution at nucleotide position 700. The asparagine at codon 234 is replaced by aspartic acid, an amino acid with highly similar properties. This amino acid position is conserved. In addition, this alteration is predicted to be tolerated by in silico analysis. Based on the available evidence, the clinical significance of this variant remains unclear.